The following is an entry in ClinVar:

NM_138420.4(AHNAK2):c.9459C>T (p.Phe3153=)

Gene: AHNAK2 (AHNAK nucleoprotein 2; minus strand). Cytogenetic location: 14q32.33.
Variant type: single nucleotide variant.
Coding change: c.9459C>T on transcript NM_138420.4 (MANE Select); coding-DNA position 9459, C replaced by T.
Protein change: p.Phe3153=; no amino-acid change (phenylalanine 3153 retained).
Molecular consequence: synonymous variant.
Genome position (GRCh38, 1-based): chr14:104,945,992, G>A on the plus strand (C>T on the coding strand, the complement: AHNAK2 is on the minus strand). VCF-style: chr14-104945992-G-A. GRCh37 (hg19) VCF-style: chr14-105412329-G-A.
Other names: c.9159C>T, p.Phe3053= (NM_001350929.2).
Identifiers: ClinVar variation 4533685 (VCV004533685.6).

ClinVar aggregate classification (germline): Likely benign (1 of 4 stars; one submission).

Submission:

CeGaT Center for Human Genetics Tuebingen
Classification: Likely benign. Last evaluated: 2025-11-01. Review status: criteria provided, single submitter. Criteria: CeGaT Center For Human Genetics Tuebingen Variant Classification Criteria Version 2. Collection method: clinical testing. Allele origin: germline. Affected: yes. Observed: 1 variant allele.
Comment: AHNAK2: BP4, BP7